The following is an entry in ClinVar:

ClinVar aggregate classification (germline): Uncertain significance (1 of 4 stars; one submission).

Conditions:
Walker-Warburg congenital muscular dystrophy. Also called: Muscular dystrophy-dystroglycanopathy, type A; Walker-Warburg syndrome. Identifiers: Orphanet 899, MedGen C0265221, MONDO:0000171.
Autosomal recessive limb-girdle muscular dystrophy type 2K. Also called: MUSCULAR DYSTROPHY, LIMB-GIRDLE, TYPE 2K; MUSCULAR DYSTROPHY-DYSTROGLYCANOPATHY (LIMB-GIRDLE), TYPE C, 1. Identifiers: Orphanet 86812, MedGen C1836373, MONDO:0012248, OMIM 609308.
Muscular dystrophy-dystroglycanopathy (congenital with impaired intellectual development), type B, 1. Also called: MUSCULAR DYSTROPHY, CONGENITAL, POMT1-RELATED; Muscular dystrophy-dystroglycanopathy (congenital with intellectual disability), type B1. Identifiers: MedGen C5436962, MONDO:0013159, OMIM 613155.

Submission:

Labcorp Genetics (formerly Invitae), Labcorp
Classification: Uncertain significance for Muscular dystrophy-dystroglycanopathy (congenital with impaired intellectual development), type B, 1; Walker-Warburg congenital muscular dystrophy; Autosomal recessive limb-girdle muscular dystrophy type 2K. Last evaluated: 2021-12-03. Review status: criteria provided, single submitter. Criteria: Invitae Variant Classification Sherloc (09022015). Collection method: clinical testing. Allele origin: germline.
Comment: This variant has not been reported in the literature in individuals affected with POMT1-related conditions. Information on the frequency of this variant in the gnomAD database is not available, as this variant may be reported differently in the database. This sequence change replaces valine with methionine at codon 201 of the POMT1 protein (p.Val201Met). The valine residue is moderately conserved and there is a small physicochemical difference between valine and methionine. In summary, the available evidence is currently insufficient to determine the role of this variant in disease. Therefore, it has been classified as a Variant of Uncertain Significance. Experimental studies and prediction algorithms are not available or were not evaluated, and the functional significance of this variant is currently unknown.

NM_001077365.2(POMT1):c.600_601delinsGA (p.Val201Met)

Gene: POMT1 (protein O-mannosyltransferase 1; plus strand). Cytogenetic location: 9q34.13.
Variant type: Indel.
Coding change: c.600_601delinsGA on transcript NM_001077365.2 (MANE Select); coding-DNA positions 600 to 601, AG replaced by GA.
Protein change: p.Val201Met; replaces valine 201 with methionine.
Molecular consequence: missense variant. On other transcripts: non-coding transcript variant (10).
Genome position (GRCh38, 1-based): chr9:131,509,803-131,509,804, AG replaced by GA. VCF-style: chr9-131509803-AG-GA. GRCh37 (hg19) VCF-style: chr9-134385190-AG-GA.
Other names: c.438_439delinsGA, p.Val147Met (NM_001077366.2, NM_001353194.2, NM_001353197.2 and 3 more transcripts); c.600_601delinsGA, p.Val201Met (NM_001136113.2, NM_001353193.2, NM_001374690.1 and 1 more transcripts); c.249_250delinsGA, p.Val84Met (NM_001136114.2, NM_001353195.2, NM_001353199.2 and 2 more transcripts); c.510_511delinsGA, p.Val171Met (NM_001353196.2); c.144_145delinsGA, p.Val49Met (NM_001353200.2, NM_001374695.1); short protein forms V147M, V171M, V49M, V201M, V84M.
Identifiers: ClinVar variation 1416325 (VCV001416325.6), dbSNP rs2131641762, ClinGen allele CA2573144012.